The following is an entry in ClinVar:

NM_002439.5(MSH3):c.454C>T (p.Gln152Ter)

Gene: MSH3 (mutS homolog 3; plus strand). Cytogenetic location: 5q14.1.
Variant type: single nucleotide variant.
Coding change: c.454C>T on transcript NM_002439.5 (MANE Select); coding-DNA position 454, C replaced by T.
Protein change: p.Gln152Ter; replaces glutamine 152 with a stop codon.
Molecular consequence: nonsense.
Genome position (GRCh38, 1-based): chr5:80,665,238, C>T. VCF-style: chr5-80665238-C-T. GRCh37 (hg19) VCF-style: chr5-79961057-C-T.
Other names: short protein forms Q152*.
Identifiers: ClinVar variation 1366962 (VCV001366962.6), dbSNP rs2112808820, ClinGen allele CA360263531.

ClinVar aggregate classification (germline): Pathogenic (1 of 4 stars; one submission).

Submission:

Labcorp Genetics (formerly Invitae), Labcorp
Classification: Pathogenic. Last evaluated: 2021-03-02. Review status: criteria provided, single submitter. Criteria: Invitae Variant Classification Sherloc (09022015). Collection method: clinical testing. Allele origin: germline.
Comment: This sequence change creates a premature translational stop signal (p.Gln152*) in the MSH3 gene. It is expected to result in an absent or disrupted protein product. Loss-of-function variants in MSH3 are known to be pathogenic (PMID: 27476653). This variant is not present in population databases (ExAC no frequency). This variant has not been reported in the literature in individuals with MSH3-related conditions. For these reasons, this variant has been classified as Pathogenic.

Literature cited by the submitters: PubMed 27476653.